The following is an entry in ClinVar:

ClinVar aggregate classification (germline): Likely pathogenic (1 of 4 stars; one submission).

Conditions:
Majeed syndrome (MJDS). Also called: LPIN2-Related Majeed Syndrome; CHRONIC RECURRENT MULTIFOCAL OSTEOMYELITIS 1, WITH CONGENITAL DYSERYTHROPOIETIC ANEMIA, WITH OR WITHOUT NEUTROPHILIC DERMATOSIS. Identifiers: Orphanet 77297, MedGen C1864997, MONDO:0012316, OMIM 609628.

Submission:

Labcorp Genetics (formerly Invitae), Labcorp
Classification: Likely pathogenic for Majeed syndrome. Last evaluated: 2022-09-05. Review status: criteria provided, single submitter. Criteria: Invitae Variant Classification Sherloc (09022015). Collection method: clinical testing. Allele origin: germline.
Comment: This variant is not present in population databases (gnomAD no frequency). This sequence change affects a donor splice site in intron 6 of the LPIN2 gene. It is expected to disrupt RNA splicing. Variants that disrupt the donor or acceptor splice site typically lead to a loss of protein function (PMID: 16199547), and loss-of-function variants in LPIN2 are known to be pathogenic (PMID: 15994876, 23087183). Algorithms developed to predict the effect of sequence changes on RNA splicing suggest that this variant may disrupt the consensus splice site. In summary, the currently available evidence indicates that the variant is pathogenic, but additional data are needed to prove that conclusively. Therefore, this variant has been classified as Likely Pathogenic. ClinVar contains an entry for this variant (Variation ID: 1482210). This variant has not been reported in the literature in individuals affected with LPIN2-related conditions.

Literature cited by the submitters: PubMed 16199547; PubMed 15994876; PubMed 23087183.

NM_001375808.2(LPIN2):c.822+2T>G

Gene: LPIN2 (lipin 2; minus strand). Cytogenetic location: 18p11.31.
Variant type: single nucleotide variant.
Coding change: c.822+2T>G on transcript NM_001375808.2 (MANE Select); the canonical splice donor site of the intron after coding-DNA position 822, T replaced by G.
Molecular consequence: splice donor variant.
Genome position (GRCh38, 1-based): chr18:2,939,478, A>C on the plus strand (T>G on the coding strand, the complement: LPIN2 is on the minus strand). VCF-style: chr18-2939478-A-C. GRCh37 (hg19) VCF-style: chr18-2939476-A-C.
Other names: c.822+2T>G (NM_014646.2, NM_001375809.1).
Identifiers: ClinVar variation 1482210 (VCV001482210.8), dbSNP rs2144204081, ClinGen allele CA401707131.